The following is an entry in ClinVar:

ClinVar aggregate classification (germline): Uncertain significance (1 of 4 stars; one submission).

Submission:

Labcorp Genetics (formerly Invitae), Labcorp
Classification: Uncertain significance. Last evaluated: 2024-06-30. Review status: criteria provided, single submitter. Criteria: Invitae Variant Classification Sherloc (09022015). Collection method: clinical testing. Allele origin: germline.
Comment: This sequence change replaces tryptophan, which is neutral and slightly polar, with serine, which is neutral and polar, at codon 792 of the ADGRE2 protein (p.Trp792Ser). This variant is not present in population databases (gnomAD no frequency). This variant has not been reported in the literature in individuals affected with ADGRE2-related conditions. An algorithm developed to predict the effect of missense changes on protein structure and function (PolyPhen-2) suggests that this variant is likely to be disruptive. In summary, the available evidence is currently insufficient to determine the role of this variant in disease. Therefore, it has been classified as a Variant of Uncertain Significance.

NM_013447.4(ADGRE2):c.2375G>C (p.Trp792Ser)

Gene: ADGRE2 (adhesion G protein-coupled receptor E2; minus strand). Cytogenetic location: 19p13.12.
Variant type: single nucleotide variant.
Coding change: c.2375G>C on transcript NM_013447.4 (MANE Select); coding-DNA position 2375, G replaced by C.
Protein change: p.Trp792Ser; replaces tryptophan 792 with serine.
Molecular consequence: missense variant.
Genome position (GRCh38, 1-based): chr19:14,743,508, C>G on the plus strand (G>C on the coding strand, the complement: ADGRE2 is on the minus strand). VCF-style: chr19-14743508-C-G. GRCh37 (hg19) VCF-style: chr19-14854320-C-G.
Other names: c.2201G>C, p.Trp734Ser (NM_001271052.1); c.2228G>C, p.Trp743Ser (NM_152916.2); c.2096G>C, p.Trp699Ser (NM_152917.2); short protein forms W699S, W792S, W743S, W734S.
Identifiers: ClinVar variation 3658347 (VCV003658347.2).